The following is an entry in ClinVar:

ClinVar aggregate classification (germline): Likely benign. Review status: criteria provided, multiple submitters, no conflicts (2 of 4 stars). 4 submissions from 4 submitters: Likely benign (4). Last evaluated 2025-06-27.

Conditions:
Cardiac arrhythmia. Also called: Cardiac rhythm disease; Arrhythmia. Identifiers: MedGen C0003811, MONDO:0007263, HP:0011675.
Long QT syndrome (LQTS). Identifiers: MedGen C0023976, MeSH D008133, MONDO:0002442. Disease mechanism: loss of function. Inheritance: Various modes of inheritance.

Allele frequency attached by ClinVar (database versions not stated): gnomAD below 0.00001; 1000 Genomes Project 30x 0.00016.
gnomAD v4.1: 30 of 1,613,620 alleles (0.0019%); highest among the groups gnomAD compares: South Asian, 0.032%; 1 homozygote.

Submissions (4):

Labcorp Genetics (formerly Invitae), Labcorp
Classification: Likely benign for Long QT syndrome. Last evaluated: 2025-06-27. Review status: criteria provided, single submitter. Criteria: Invitae Variant Classification Sherloc (09022015). Collection method: clinical testing. Allele origin: germline.

Blueprint Genetics
Classification: Likely benign. Last evaluated: 2024-07-23. Review status: criteria provided, single submitter. Criteria: ACMG Guidelines, 2015. Collection method: clinical testing. Allele origin: germline.

All of Us Research Program, National Institutes of Health
Classification: Likely benign for Long QT syndrome. Last evaluated: 2023-08-15. Review status: criteria provided, single submitter. Criteria: ACMG Guidelines, 2015. Collection method: clinical testing. Allele origin: germline. Inheritance: Autosomal dominant inheritance. Observed: 2 variant alleles, 2 heterozygotes.
Comment: This study involves interpretation of variants in research participants for the purpose of population health screening. Participant phenotype was not available at the time of variant classification. Additional details can be found in publication PMID: 35346344, PMCID: PMC8962531

Color Diagnostics, LLC DBA Color Health
Classification: Likely benign for Arrhythmia. Last evaluated: 2019-08-02. Review status: criteria provided, single submitter. Criteria: ACMG Guidelines, 2015. Collection method: clinical testing. Allele origin: germline.

NM_000218.3(KCNQ1):c.906G>T (p.Ala302=)

Gene: KCNQ1 (potassium voltage-gated channel subfamily Q member 1; plus strand). Cytogenetic location: 11p15.5.
Variant type: single nucleotide variant.
Coding change: c.906G>T on transcript NM_000218.3 (MANE Select); coding-DNA position 906, G replaced by T.
Protein change: p.Ala302=; no amino-acid change (alanine 302 retained).
Molecular consequence: synonymous variant. On other transcripts: intron variant (1).
Genome position (GRCh38, 1-based): chr11:2,572,971, G>T. VCF-style: chr11-2572971-G-T. GRCh37 (hg19) VCF-style: chr11-2594201-G-T.
Other names: c.906G>T, p.Ala302= (NM_001406836.1); c.636G>T, p.Ala212= (NM_001406837.1); c.525G>T, p.Ala175= (NM_181798.2); c.478-10464G>T (NM_001406838.1).
Identifiers: ClinVar variation 919699 (VCV000919699.10), dbSNP rs200762150, ClinGen allele CA041371.
Genomic context (GRCh38, chr11:2,572,971, plus strand): 5'-GGCTGAGAAGGACGCGGTGAACGAGTCAGGCCGCGTGGAGTTCGGCAGCTACGCAGATGC[G>T]CTGTGGTGGGGGGTGGTAAGTCGGAAACTTCCAGGCATGGGGACAGGGGCAGCTCAGGCT-3'
Protein context (NP_000209.2, residues 292-312): GRVEFGSYAD[Ala302=]LWWGVVTVTT